The following is an entry in ClinVar:

NM_005159.5(ACTC1):c.544C>A (p.Leu182Met)

Genes: ACTC1 (actin alpha cardiac muscle 1; minus strand), GJD2-DT (GJD2 divergent transcript; plus strand). Cytogenetic location: 15q14.
Variant type: single nucleotide variant.
Coding change: c.544C>A on transcript NM_005159.5 (MANE Select); coding-DNA position 544, C replaced by A.
Protein change: p.Leu182Met; replaces leucine 182 with methionine.
Molecular consequence: missense variant.
Genome position (GRCh38, 1-based): chr15:34,792,480, G>T on the plus strand (C>A on the coding strand, the complement: ACTC1 is on the minus strand). VCF-style: chr15-34792480-G-T. GRCh37 (hg19) VCF-style: chr15-35084681-G-T.
Other names: c.544C>A, p.Leu182Met (NM_001406482.1, NM_001406483.1); c.409C>A, p.Leu137Met (NM_001406484.1); c.103C>A, p.Leu35Met (NM_001406485.1); short protein forms L137M, L35M, L182M.
Identifiers: ClinVar variation 2002755 (VCV002002755.4), dbSNP rs2504180981, ClinGen allele CA391630998.

ClinVar aggregate classification (germline): Uncertain significance (1 of 4 stars; one submission).

Conditions:
Hypertrophic cardiomyopathy 11. Also called: ACTC1-Related Familial Hypertrophic Cardiomyopathy. Identifiers: MedGen C2677506, MONDO:0012799, OMIM 612098.
Dilated cardiomyopathy 1R (CMD1R). Identifiers: Orphanet 154, Orphanet 54260, MedGen C3150681, MONDO:0013261, OMIM 613424.
Atrial septal defect 5 (ASD5). Identifiers: Orphanet 1478, MedGen C2748552, MONDO:0013011, OMIM 612794.

Submission:

Labcorp Genetics (formerly Invitae), Labcorp
Classification: Uncertain significance for Dilated cardiomyopathy 1R; Hypertrophic cardiomyopathy 11; Atrial septal defect 5. Last evaluated: 2022-06-08. Review status: criteria provided, single submitter. Criteria: Invitae Variant Classification Sherloc (09022015). Collection method: clinical testing. Allele origin: germline.
Comment: This variant has not been reported in the literature in individuals affected with ACTC1-related conditions. This sequence change replaces leucine, which is neutral and non-polar, with methionine, which is neutral and non-polar, at codon 182 of the ACTC1 protein (p.Leu182Met). This variant is not present in population databases (gnomAD no frequency). Algorithms developed to predict the effect of missense changes on protein structure and function are either unavailable or do not agree on the potential impact of this missense change (SIFT: "Deleterious"; PolyPhen-2: "Benign"; Align-GVGD: "Class C0"). In summary, the available evidence is currently insufficient to determine the role of this variant in disease. Therefore, it has been classified as a Variant of Uncertain Significance.